The following is an entry in ClinVar:

ClinVar aggregate classification (germline): Likely pathogenic (1 of 4 stars; one submission).

Submission:

GeneDx
Classification: Likely pathogenic. Last evaluated: 2015-08-21. Review status: criteria provided, single submitter. Criteria: GeneDx Variant Classification (06012015). Collection method: clinical testing. Allele origin: germline. Affected: yes.
Comment: The A215P variant has not been published as a pathogenic variant, nor has it been reported as a benign polymorphism to our knowledge. It was not observed in approximately 6,500 individuals of European and African American ancestry in the NHLBI Exome Sequencing Project, indicating it is not a common benign variant in these populations. The A215P variant is a semi-conservative amino acid substitution, which may impact secondary protein structure as these residues differ in some properties. This substitution occurs at a position where amino acids with similar properties to Alanine are tolerated across species. However, in silico analysis predicts this variant is probably damaging to the protein structure/function. Additionally, this variant occurs in the predicted transmembrane segment S4 in the first homologous domain, where many missense variants associated with SCN2A-related disorders have been published (Stenson et al., 2014). Therefore, this variant is a strong candidate for a pathogenic variant, however the possibility that it is a benign variant cannot be excluded.

NM_001040142.2(SCN2A):c.643G>C (p.Ala215Pro)

Gene: SCN2A (sodium voltage-gated channel alpha subunit 2; plus strand). Cytogenetic location: 2q24.3.
Variant type: single nucleotide variant.
Coding change: c.643G>C on transcript NM_001040142.2 (MANE Select); coding-DNA position 643, G replaced by C.
Protein change: p.Ala215Pro; replaces alanine 215 with proline.
Molecular consequence: missense variant. On other transcripts: intron variant (2).
Genome position (GRCh38, 1-based): chr2:165,309,389, G>C. VCF-style: chr2-165309389-G-C. GRCh37 (hg19) VCF-style: chr2-166165899-G-C.
Other names: c.643G>C, p.Ala215Pro (NM_001371247.1, NM_021007.3); c.697+133G>C (NM_001040143.2, NM_001371246.1); short protein forms A215P.
Identifiers: ClinVar variation 430366 (VCV000430366.2), dbSNP rs1131691927, ClinGen allele CA349017433.